The following is an entry in ClinVar:

NM_024817.3(THSD4):c.2813G>A (p.Arg938Gln)

Gene: THSD4 (thrombospondin type 1 domain containing 4; plus strand). Cytogenetic location: 15q23.
Variant type: single nucleotide variant.
Coding change: c.2813G>A on transcript NM_024817.3 (MANE Select); coding-DNA position 2813, G replaced by A.
Protein change: p.Arg938Gln; replaces arginine 938 with glutamine.
Molecular consequence: missense variant.
Genome position (GRCh38, 1-based): chr15:71,771,107, G>A. VCF-style: chr15-71771107-G-A. GRCh37 (hg19) VCF-style: chr15-72063446-G-A.
Other names: c.1733G>A, p.Arg578Gln (NM_001286429.2); c.2813G>A, p.Arg938Gln (NM_001394532.1); short protein forms R938Q, R578Q.
Identifiers: ClinVar variation 2407303 (VCV002407303.6), dbSNP rs201430314, ClinGen allele CA7640055.
Genomic context (GRCh38, chr15:71,771,107, plus strand): 5'-CCTTTGTTCCCATGCAGTGTTCCAAGAGCTGCCAGGGTGGCTTTCGGGTCCGGGAAGTGC[G>A]GTGTCTGTCTGATGACATGACTCTAAGTAACCTCTGTGACCCTCAGTTGAAACCAGAAGA-3'
Protein context (NP_079093.2, residues 928-948): CQGGFRVREV[Arg938Gln]CLSDDMTLSN

ClinVar aggregate classification (germline): Conflicting classifications of pathogenicity. Review status: criteria provided, conflicting classifications (1 of 4 stars). 2 submissions from 2 submitters: Uncertain significance (1); Likely benign (1). Last evaluated 2026-02-01.

Allele frequency attached by ClinVar (database versions not stated): gnomAD exomes 0.00017; gnomAD 0.00025; ExAC 0.00041.
gnomAD v4.1: 288 of 1,614,066 alleles (0.018%); highest among the groups gnomAD compares: African/African-American, 0.052%; no homozygotes.

Submissions (2):

CeGaT Center for Human Genetics Tuebingen
Classification: Likely benign. Last evaluated: 2026-02-01. Review status: criteria provided, single submitter. Criteria: CeGaT Center For Human Genetics Tuebingen Variant Classification Criteria Version 2. Collection method: clinical testing. Allele origin: germline. Affected: yes. Observed: 1 variant allele.
Comment: THSD4: BP4, BS2

Ambry Genetics
Classification: Uncertain significance. Last evaluated: 2021-08-30. Review status: criteria provided, single submitter. Criteria: Ambry Variant Classification Scheme 2023. Collection method: clinical testing. Allele origin: germline.